The following is an entry in ClinVar:

NM_152594.3(SPRED1):c.136A>G (p.Lys46Glu)

Gene: SPRED1 (sprouty related EVH1 domain containing 1; plus strand). Cytogenetic location: 15q14.
Variant type: single nucleotide variant.
Coding change: c.136A>G on transcript NM_152594.3 (MANE Select); coding-DNA position 136, A replaced by G.
Protein change: p.Lys46Glu; replaces lysine 46 with glutamic acid.
Molecular consequence: missense variant.
Genome position (GRCh38, 1-based): chr15:38,299,476, A>G. VCF-style: chr15-38299476-A-G. GRCh37 (hg19) VCF-style: chr15-38591677-A-G.
Other names: short protein forms K46E.
Identifiers: ClinVar variation 5030108 (VCV005030108.1).

ClinVar aggregate classification (germline): Uncertain significance (1 of 4 stars; one submission).

Conditions:
Cardiovascular phenotype. Identifiers: MedGen CN230736.

Submission:

Ambry Genetics
Classification: Uncertain significance for Cardiovascular phenotype. Last evaluated: 2026-07-04. Review status: criteria provided, single submitter. Criteria: Ambry Variant Classification Scheme 2023. Collection method: clinical testing. Allele origin: germline.
Comment: The p.K46E variant (also known as c.136A>G), located in coding exon 2 of the SPRED1 gene, results from an A to G substitution at nucleotide position 136. The lysine at codon 46 is replaced by glutamic acid, an amino acid with similar properties. This amino acid position is conserved. In addition, the in silico prediction for this alteration is inconclusive. Based on the available evidence, the clinical significance of this variant remains unclear.